The following is an entry in ClinVar:

ClinVar aggregate classification (germline): Uncertain significance (1 of 4 stars; one submission).

Conditions:
Floating-Harbor syndrome (FLHS). Also called: Short stature with delayed bone age, expressive language delay, a triangular face with a prominent nose and deep-set eyes; Pelletier-Leisti syndrome; SRCAP-Related Floating-Harbor Syndrome. Identifiers: Orphanet 2044, MedGen C0729582, MONDO:0007621, OMIM 136140.
Developmental delay, hypotonia, musculoskeletal defects, and behavioral abnormalities. Identifiers: MedGen C5562012, MONDO:0859202, OMIM 619595.

Submission:

Juno Genomics, Hangzhou Juno Genomics, Inc
Classification: Uncertain significance for Developmental delay, hypotonia, musculoskeletal defects, and behavioral abnormalities; Floating-Harbor syndrome. Review status: criteria provided, single submitter. Criteria: ACMG Guidelines, 2015. Collection method: clinical testing. Allele origin: germline.
Comment: Absent from controls (or at extremely low frequency if recessive) in Genome Aggregation Database.;Missense variant in a gene that has a low rate of benign missense variation.

NM_006662.3(SRCAP):c.8408C>T (p.Pro2803Leu)

Gene: SRCAP (Snf2 related CREBBP activator protein; plus strand). Cytogenetic location: 16p11.2.
Variant type: single nucleotide variant.
Coding change: c.8408C>T on transcript NM_006662.3 (MANE Select); coding-DNA position 8408, C replaced by T.
Protein change: p.Pro2803Leu; replaces proline 2803 with leucine.
Molecular consequence: missense variant.
Genome position (GRCh38, 1-based): chr16:30,738,448, C>T. VCF-style: chr16-30738448-C-T. GRCh37 (hg19) VCF-style: chr16-30749769-C-T.
Other names: short protein forms P2803L.
Identifiers: ClinVar variation 5018893 (VCV005018893.2).
Genomic context (GRCh38, chr16:30,738,448, plus strand): 5'-AGACTAGTGCCAGCCCGGGAAGCCCGTCTGTCCGCAGCATGTCAGGGCCAGAATCCTCCC[C>T]TCCCATTGGTGGGCCCTGTGAAGCTGCTCCTTCATCCTCACTGCCCACTCCACCCCAGCA-3'
Protein context (NP_006653.2, residues 2793-2813): VRSMSGPESS[Pro2803Leu]PIGGPCEAAP